The following is an entry in ClinVar:

NM_000215.4(JAK3):c.678_679del (p.Cys227fs)

Gene: JAK3 (Janus kinase 3; minus strand). Cytogenetic location: 19p13.11.
Variant type: Deletion.
Coding change: c.678_679del on transcript NM_000215.4 (MANE Select); coding-DNA positions 678 to 679, 2 bases deleted (CT; older notation c.678_679delCT).
Protein change: p.Cys227fs; shifts the reading frame from cysteine 227.
Molecular consequence: frameshift variant.
Genome position (GRCh38, 1-based): chr19:17,842,498-17,842,499, AG deleted on the plus strand (CT on the coding strand, the reverse complement: JAK3 is on the minus strand). VCF-style (leftmost placement, unchanged base first): chr19-17842497-CAG-C. GRCh37 (hg19) VCF-style: chr19-17953306-CAG-C.
Other names: NM_000215.4(JAK3):c.678_679del; p.Cys227fs; c.678_679delCT (NM_000215.3).
Identifiers: ClinVar variation 36423 (VCV000036423.12), dbSNP rs193922364, ClinGen allele CA214096.

ClinVar aggregate classification (germline): Pathogenic. Review status: reviewed by expert panel (3 of 4 stars). 7 submissions from 7 submitters: Pathogenic (1). 6 of the submissions do not count toward it. Last evaluated 2023-11-14.

Conditions:
JAK3-related disorder. Also called: JAK3-related condition.
Severe combined immunodeficiency disease. Also called: Severe Combined Immune Deficiency; Severe combined immunodeficiency. Identifiers: Orphanet 183660, MedGen C0085110, MeSH D016511, MONDO:0015974, HP:0004430. Inheritance: X-Linked or Autosomal recessive.
T-B+ severe combined immunodeficiency due to JAK3 deficiency. Also called: SCID, autosomal recessive, T-negative/B-positive type; SCID, T CELL-NEGATIVE, B CELL-POSITIVE, NK CELL-NEGATIVE. Identifiers: Orphanet 35078, MedGen C1833275, MONDO:0010938, OMIM 600802.

Allele frequency attached by ClinVar (database versions not stated): gnomAD exomes below 0.00001 and 0.00001; ExAC 0.00002.

Submissions (7):

ClinGen Severe Combined Immunodeficiency Variant Curation Expert Panel, ClinGen
Classification: Pathogenic for T-B+ severe combined immunodeficiency due to JAK3 deficiency. Last evaluated: 2023-11-14. Review status: reviewed by expert panel. Criteria: ClinGen SCID ACMG Specifications JAK3 V1.0.0. Collection method: curation. Allele origin: germline. Inheritance: Autosomal recessive inheritance.
Comment: The c.678_679del (p.Cys227ProfsTer?) (NM_000215.4) variant in JAK3 is a frameshift variant predicted to cause a premature stop codon in biologically-relevant-exon 6/24 leading to nonsense mediated decay in a gene in which loss-of-function is an established disease mechanism (PVS1). The highest population minor allele frequency in gnomAD v2.1.1 is 0.00003577 (1/27956) in South Asian population, which is lower than the ClinGen SCID VCEP threshold (<0.000115) for PM2_Supporting, meeting this criterion (PM2_Supporting). One patient compound heterozygous with variant c.1767C>T (PMID: 23384681). It was not evaluated at this moment because the pathogenic level was already reached. One homozygous patient described on ClinVar (3billion, T-B+ severe combined immunodeficiency due to JAK3 deficiency) affected status: yes. Hepatosplenomegaly (present), Pneumonia (present) - (0.5pt). PM3_Supporting. Diagnostic criteria for SCID/Leaky SCID/Omenn syndrome met (0.5pt), T-B+NK- lymphocyte subset profile (0.5pt), total=1pt, PP4. (PMID: 23384681). In summary, this variant meets the criteria to be classified as Pathogenic for autosomal recessive SCID based on the ACMG/AMP criteria applied, as specified by the ClinGen SCID VCEP. Criteria applied: PVS1, PP4, PM2_supporting and PM3_supporting. (VCEP specifications version 1).

Labcorp Genetics (formerly Invitae), Labcorp
Classification: Pathogenic for T-B+ severe combined immunodeficiency due to JAK3 deficiency. Last evaluated: 2023-12-30. Review status: criteria provided, single submitter. Criteria: Invitae Variant Classification Sherloc (09022015). Collection method: clinical testing. Allele origin: germline. Not counted in ClinVar's aggregate classification.
Comment: This sequence change creates a premature translational stop signal (p.Cys227Profs*49) in the JAK3 gene. It is expected to result in an absent or disrupted protein product. Loss-of-function variants in JAK3 are known to be pathogenic (PMID: 7481768, 11668621). This variant is present in population databases (rs193922364, gnomAD 0.004%). This premature translational stop signal has been observed in individual(s) with clinical features of severe combined immunodeficiency (PMID: 23384681, 34173127). ClinVar contains an entry for this variant (Variation ID: 36423). For these reasons, this variant has been classified as Pathogenic.

Genomic Medicine Center of Excellence, King Faisal Specialist Hospital and Research Centre
Classification: Pathogenic for T-B+ severe combined immunodeficiency due to JAK3 deficiency. Last evaluated: 2023-05-08. Review status: criteria provided, single submitter. Criteria: ACMG Guidelines, 2015. Collection method: research. Allele origin: germline. Affected: yes. Not counted in ClinVar's aggregate classification.

3billion
Classification: Pathogenic for T-B+ severe combined immunodeficiency due to JAK3 deficiency. Last evaluated: 2022-03-22. Review status: criteria provided, single submitter. Criteria: ACMG Guidelines, 2015. Collection method: clinical testing. Allele origin: germline. Affected: yes. Observed: 1 homozygote. Not counted in ClinVar's aggregate classification.
Comment: Frameshift: predicted to result in a loss or disruption of normal protein function through nonsense-mediated decay (NMD) or protein truncation. Multiple pathogenic variants are reported downstream of the variant. The variant has been reported to be in trans with a pathogenic variant as either compound heterozygous or homozygous in at least one similarly affected unrelated individual(PMID: 23384681). It is observed at an extremely low frequency in the gnomAD v2.1.1 dataset (total allele frequency: 0.0000047). Therefore, this variant is classified as pathogenic according to the recommendation of ACMG/AMP guideline.

Blueprint Genetics
Classification: Pathogenic for JAK3-related disorders. Last evaluated: 2019-09-09. Review status: criteria provided, single submitter. Criteria: ACMG Guidelines, 2015. Collection method: clinical testing. Allele origin: germline. Affected: yes. Observed: 2 variant alleles. Not counted in ClinVar's aggregate classification.

GeneDx
Classification: Pathogenic. Last evaluated: 2016-08-23. Review status: criteria provided, single submitter. Criteria: GeneDx Variant Classification (06012015). Collection method: clinical testing. Allele origin: germline. Affected: yes. Not counted in ClinVar's aggregate classification.
Comment: The c.678_679delCT pathogenic variant in the JAK3 gene has been reported previously in association with SCID (Cattaneo et al., 2013). The deletion causes a frameshift starting with codon Cysteine 227, changes this amino acid to a Proline residue and creates a premature Stop codon at position 49 of the new reading frame, denoted p.Cys227ProfsX49. This variant is predicted to cause loss of normal protein function either through protein truncation or nonsense-mediated mRNA decay. Additionally, the variant was not observed in approximately 6,500 individuals of European and African American ancestry in the NHLBI Exome Sequencing Project, indicating it is not a common benign variant in these populations. Therefore, we consider this variant to be pathogenic.

Women's Health and Genetics/Laboratory Corporation of America, LabCorp
Classification: Likely pathogenic for SCID. Last evaluated: 2011-08-18. Review status: criteria provided, single submitter. Criteria: LabCorp Variant Classification Summary - May 2015. Collection method: curation, clinical testing. Allele origin: germline. Inheritance: autosomal unknown. Affected: yes. Not counted in ClinVar's aggregate classification.
ClinVar note: Converted during submission from likely pathogenic to Likely pathogenic.

Literature cited by the submitters: PubMed 7481768 (cited by Labcorp Genetics (formerly Invitae), Labcorp); PubMed 11668621 (cited by Labcorp Genetics (formerly Invitae), Labcorp); PubMed 23384681 (cited by Labcorp Genetics (formerly Invitae), Labcorp and 3billion); PubMed 34173127 (cited by Labcorp Genetics (formerly Invitae), Labcorp).